The following is an entry in ClinVar:

NM_139318.5(KCNH5):c.2407A>G (p.Met803Val)

Gene: KCNH5 (potassium voltage-gated channel subfamily H member 5; minus strand). Cytogenetic location: 14q23.2.
Variant type: single nucleotide variant.
Coding change: c.2407A>G on transcript NM_139318.5 (MANE Select); coding-DNA position 2407, A replaced by G.
Protein change: p.Met803Val; replaces methionine 803 with valine.
Molecular consequence: missense variant. On other transcripts: 3 prime UTR variant (1).
Genome position (GRCh38, 1-based): chr14:62,708,068, T>C on the plus strand (A>G on the coding strand, the complement: KCNH5 is on the minus strand). VCF-style: chr14-62708068-T-C. GRCh37 (hg19) VCF-style: chr14-63174786-T-C.
Other names: c.*374A>G (NM_172375.3); short protein forms M803V.
Identifiers: ClinVar variation 1441637 (VCV001441637.7), dbSNP rs1884477605, ClinGen allele CA390100681.
Genomic context (GRCh38, chr14:62,708,068, plus strand): 5'-CCTCATGGGCTCCCATATTATTCTTGAGTCGCAGCCACCCTTTTCCATTTCCATTCTTCA[T>C]TCTTATTGGGCTGTTGACTTTGAGACATTTTTGGTCAGCACCGCCGTTGGGCTTGAGTTC-3'
Protein context (NP_647479.2, residues 793-813): KCLKVNSPIR[Met803Val]KNGNGKGWLR

ClinVar aggregate classification (germline): Uncertain significance (1 of 4 stars; one submission).

Conditions:
Early-infantile DEE. Also called: Ohtahara syndrome; Early infantile epileptic encephalopathy with suppression bursts; Early infantile epileptic encephalopathy. Identifiers: Orphanet 1934, MedGen C0393706, MONDO:0800491.

Allele frequency attached by ClinVar (database versions not stated): gnomAD 0.00001.
gnomAD v4.1: 1 of 1,614,118 alleles (0.000062%); highest among the groups gnomAD compares: South Asian, 0.0011%; no homozygotes.

Submission:

Labcorp Genetics (formerly Invitae), Labcorp
Classification: Uncertain significance for Early-infantile DEE. Last evaluated: 2021-11-14. Review status: criteria provided, single submitter. Criteria: Invitae Variant Classification Sherloc (09022015). Collection method: clinical testing. Allele origin: germline.
Comment: This sequence change replaces methionine, which is neutral and non-polar, with valine, which is neutral and non-polar, at codon 803 of the KCNH5 protein (p.Met803Val). This variant is not present in population databases (gnomAD no frequency). This variant has not been reported in the literature in individuals affected with KCNH5-related conditions. Advanced modeling of protein sequence and biophysical properties (such as structural, functional, and spatial information, amino acid conservation, physicochemical variation, residue mobility, and thermodynamic stability) performed at Invitae indicates that this missense variant is not expected to disrupt KCNH5 protein function. In summary, the available evidence is currently insufficient to determine the role of this variant in disease. Therefore, it has been classified as a Variant of Uncertain Significance.